The following is an entry in ClinVar:

NM_001382430.1(AKT1):c.1387A>G (p.Ser463Gly)

Gene: AKT1 (AKT serine/threonine kinase 1; minus strand). Cytogenetic location: 14q32.33.
Variant type: single nucleotide variant.
Coding change: c.1387A>G on transcript NM_001382430.1 (MANE Select); coding-DNA position 1387, A replaced by G.
Protein change: p.Ser463Gly; replaces serine 463 with glycine.
Molecular consequence: missense variant.
Genome position (GRCh38, 1-based): chr14:104,770,397, T>C on the plus strand (A>G on the coding strand, the complement: AKT1 is on the minus strand). VCF-style: chr14-104770397-T-C. GRCh37 (hg19) VCF-style: chr14-105236734-T-C.
Other names: c.1387A>G, p.Ser463Gly (NM_001014431.2, NM_001014432.2, NM_001382431.1 and 3 more transcripts); short protein forms S463G.
Identifiers: ClinVar variation 1771429 (VCV001771429.6), dbSNP rs2542099616, ClinGen allele CA391214317.
Genomic context (GRCh38, chr14:104,770,397, plus strand): 5'-CGCCTCAGGCCGTGCCGCTGGCCGAGTAGGAGAACTGGGGGAAGTGGGGCCTGCGCTCGC[T>C]GTCCACACACTCCATGCTGTCATCTGTGGGTGTAGACAGCTCAGACCCCGGTGCCCCACC-3'
Protein context (NP_001369359.1, residues 453-473): DQDDSMECVD[Ser463Gly]ERRPHFPQFS

ClinVar aggregate classification (germline): Uncertain significance. Review status: criteria provided, multiple submitters, no conflicts (2 of 4 stars). 2 submissions from 2 submitters: Uncertain significance (2). Last evaluated 2024-05-24.

Conditions:
Cowden syndrome 6 (CWS6). Identifiers: Orphanet 201, MedGen C3554519, MONDO:0014048, OMIM 615109.
Inborn genetic diseases. Identifiers: MedGen C0950123, MeSH D030342.

Allele frequency attached by ClinVar (database versions not stated): gnomAD exomes 0.00001.
gnomAD v4.1: 3 of 1,612,566 alleles (0.00019%); highest among the groups gnomAD compares: Non-Finnish European, 0.00017%; no homozygotes.

Submissions (2):

Ambry Genetics
Classification: Uncertain significance for Inborn genetic diseases. Last evaluated: 2024-05-24. Review status: criteria provided, single submitter. Criteria: Ambry Variant Classification Scheme 2023. Collection method: clinical testing. Allele origin: germline.
Comment: The p.S463G variant (also known as c.1387A>G), located in coding exon 13 of the AKT1 gene, results from an A to G substitution at nucleotide position 1387. The serine at codon 463 is replaced by glycine, an amino acid with similar properties. This amino acid position is conserved. In addition, this alteration is predicted to be tolerated by in silico analysis. Since supporting evidence is limited at this time, the clinical significance of this alteration remains unclear.

Labcorp Genetics (formerly Invitae), Labcorp
Classification: Uncertain significance for Cowden syndrome 6. Last evaluated: 2023-01-26. Review status: criteria provided, single submitter. Criteria: Invitae Variant Classification Sherloc (09022015). Collection method: clinical testing. Allele origin: germline.
Comment: In summary, the available evidence is currently insufficient to determine the role of this variant in disease. Therefore, it has been classified as a Variant of Uncertain Significance. Algorithms developed to predict the effect of missense changes on protein structure and function (SIFT, PolyPhen-2, Align-GVGD) all suggest that this variant is likely to be tolerated. ClinVar contains an entry for this variant (Variation ID: 1771429). This variant has not been reported in the literature in individuals affected with AKT1-related conditions. This variant is not present in population databases (gnomAD no frequency). This sequence change replaces serine, which is neutral and polar, with glycine, which is neutral and non-polar, at codon 463 of the AKT1 protein (p.Ser463Gly).